The following is an entry in ClinVar:

NM_001005373.4(LRSAM1):c.1602G>A (p.Thr534=)

Gene: LRSAM1 (leucine rich repeat and sterile alpha motif containing 1; plus strand). Cytogenetic location: 9q33.3.
Variant type: single nucleotide variant.
Coding change: c.1602G>A on transcript NM_001005373.4 (MANE Select); coding-DNA position 1602, G replaced by A.
Protein change: p.Thr534=; no amino-acid change (threonine 534 retained).
Molecular consequence: synonymous variant. On other transcripts: non-coding transcript variant (2), intron variant (1).
Genome position (GRCh38, 1-based): chr9:127,495,322, G>A. VCF-style: chr9-127495322-G-A. GRCh37 (hg19) VCF-style: chr9-130257601-G-A.
Other names: c.1602G>A, p.Thr534= (NM_001005374.4, NM_001384142.1, NM_138361.5); c.1521G>A, p.Thr507= (NM_001190723.3); c.813G>A, p.Thr271= (NM_001384144.1); c.1600-642G>A (NM_001384143.1).
Identifiers: ClinVar variation 540019 (VCV000540019.9), dbSNP rs766032321, ClinGen allele CA5247077.
Genomic context (GRCh38, chr9:127,495,322, plus strand): 5'-GTTATTACAGGTTTTATTACCATTTTGTGACTAACATTGCCTGCTTCATTCCTGGCAGAC[G>A]GAGTTAGAAGCCAAAAGTGAAACCAGGCAGGAAAATTACTGGCTGATTCAGTATCAACGG-3'
Protein context (NP_001005373.1, residues 524-544): QREEELREIL[Thr534=]ELEAKSETRQ

ClinVar aggregate classification (germline): Conflicting classifications of pathogenicity. Review status: criteria provided, conflicting classifications (1 of 4 stars). 2 submissions from 2 submitters: Uncertain significance (1); Likely benign (1). Last evaluated 2025-05-13.

Conditions:
Charcot-Marie-Tooth disease axonal type 2P. Also called: CHARCOT-MARIE-TOOTH NEUROPATHY, TYPE 2P; CHARCOT-MARIE-TOOTH DISEASE, AXONAL, TYPE 2G; CMT 2G; Charcot-Marie-Tooth Neuropathy Type 2G. Identifiers: Orphanet 300319, Orphanet 99941, MedGen C3280797, MONDO:0013753, OMIM 614436.

Allele frequency attached by ClinVar (database versions not stated): gnomAD exomes below 0.00001; ExAC 0.00001.
gnomAD v4.1: 3 of 1,613,718 alleles (0.00019%); highest among the groups gnomAD compares: Non-Finnish European, 0.00017%; no homozygotes.

Submissions (2):

Women's Health and Genetics/Laboratory Corporation of America, LabCorp
Classification: Uncertain significance. Last evaluated: 2025-05-13. Review status: criteria provided, single submitter. Criteria: LabCorp Variant Classification Summary - May 2015. Collection method: clinical testing. Allele origin: germline.
Comment: Variant summary: LRSAM1 c.1602G>A (p.Thr534Thr) alters a conserved nucleotide located close to a canonical splice site and therefore could affect mRNA splicing, leading to a significantly altered protein sequence. Consensus agreement among computation tools predict no significant impact on normal splicing. However, these predictions have yet to be confirmed by functional studies. The variant allele was found at a frequency of 4e-06 in 251326 control chromosomes. The available data on variant occurrences in the general population are insufficient to allow any conclusion about variant significance. To our knowledge, no occurrence of c.1602G>A in individuals affected with Charcot-Marie-Tooth disease axonal type 2P-AR and no experimental evidence demonstrating its impact on protein function have been reported. ClinVar contains an entry for this variant (Variation ID: 540019). Based on the evidence outlined above, the variant was classified as uncertain significance.

Labcorp Genetics (formerly Invitae), Labcorp
Classification: Likely benign for Charcot-Marie-Tooth disease axonal type 2P. Last evaluated: 2017-11-24. Review status: criteria provided, single submitter. Criteria: Invitae Variant Classification Sherloc (09022015). Collection method: clinical testing. Allele origin: germline.